The following is an entry in ClinVar:

NM_001127222.2(CACNA1A):c.3345C>G (p.Asn1115Lys)

Gene: CACNA1A (calcium voltage-gated channel subunit alpha1 A; minus strand). Cytogenetic location: 19p13.13.
Variant type: single nucleotide variant.
Coding change: c.3345C>G on transcript NM_001127222.2 (MANE Select); coding-DNA position 3345, C replaced by G.
Protein change: p.Asn1115Lys; replaces asparagine 1115 with lysine.
Molecular consequence: missense variant.
Genome position (GRCh38, 1-based): chr19:13,286,711, G>C on the plus strand (C>G on the coding strand, the complement: CACNA1A is on the minus strand). VCF-style: chr19-13286711-G-C. GRCh37 (hg19) VCF-style: chr19-13397525-G-C.
Other names: c.3357C>G, p.Asn1119Lys (NM_000068.4, NM_023035.3); c.3348C>G, p.Asn1116Lys (NM_001127221.2, NM_001174080.2); short protein forms N1115K, N1116K, N1119K.
Identifiers: ClinVar variation 3750578 (VCV003750578.2).

ClinVar aggregate classification (germline): Uncertain significance (1 of 4 stars; one submission).

Conditions:
Episodic ataxia type 2 (EA2). Also called: ACETAZOLAMIDE-RESPONSIVE HEREDITARY PAROXYSMAL CEREBELLAR ATAXIA; ATAXIA, EPISODIC, WITH NYSTAGMUS; ATAXIA, FAMILIAL PAROXYSMAL; CEREBELLAR ATAXIA, PAROXYSMAL, ACETAZOLAMIDE-RESPONSIVE; CEREBELLOPATHY, HEREDITARY PAROXYSMAL; EPISODIC ATAXIA, NYSTAGMUS-ASSOCIATED. Identifiers: Orphanet 97, MedGen C1720416, MONDO:0007163, OMIM 108500.
Developmental and epileptic encephalopathy, 42 (DEE42A). Also called: Epileptic encephalopathy, early infantile, 42; DEVELOPMENTAL AND EPILEPTIC ENCEPHALOPATHY 42A; EPILEPTIC ENCEPHALOPATHY, EARLY INFANTILE, 42A. Identifiers: MedGen C4310716, MONDO:0014917, OMIM 617106.

Submission:

Labcorp Genetics (formerly Invitae), Labcorp
Classification: Uncertain significance for Developmental and epileptic encephalopathy, 42; Episodic ataxia type 2. Last evaluated: 2024-05-06. Review status: criteria provided, single submitter. Criteria: Invitae Variant Classification Sherloc (09022015). Collection method: clinical testing. Allele origin: germline.
Comment: This sequence change replaces asparagine, which is neutral and polar, with lysine, which is basic and polar, at codon 1116 of the CACNA1A protein (p.Asn1116Lys). This variant is not present in population databases (gnomAD no frequency). This variant has not been reported in the literature in individuals affected with CACNA1A-related conditions. Advanced modeling of protein sequence and biophysical properties (such as structural, functional, and spatial information, amino acid conservation, physicochemical variation, residue mobility, and thermodynamic stability) performed at Invitae indicates that this missense variant is not expected to disrupt CACNA1A protein function with a negative predictive value of 95%. In summary, the available evidence is currently insufficient to determine the role of this variant in disease. Therefore, it has been classified as a Variant of Uncertain Significance.